The following is an entry in ClinVar:

NM_181523.3(PIK3R1):c.248C>T (p.Ser83Leu)

Gene: PIK3R1 (phosphoinositide-3-kinase regulatory subunit 1; plus strand). Cytogenetic location: 5q13.1.
Variant type: single nucleotide variant.
Coding change: c.248C>T on transcript NM_181523.3 (MANE Select); coding-DNA position 248, C replaced by T.
Protein change: p.Ser83Leu; replaces serine 83 with leucine.
Molecular consequence: missense variant.
Genome position (GRCh38, 1-based): chr5:68,226,923, C>T. VCF-style: chr5-68226923-C-T. GRCh37 (hg19) VCF-style: chr5-67522751-C-T.
Other names: short protein forms S83L.
Identifiers: ClinVar variation 2946486 (VCV002946486.3), dbSNP rs747723877, ClinGen allele CA3289954.
Genomic context (GRCh38, chr5:68,226,923, plus strand): 5'-CAGGGGAAAGGGGGGACTTTCCGGGAACTTACGTAGAATATATTGGAAGGAAAAAAATCT[C>T]GCCTCCCACACCAAAGCCCCGGCCACCTCGGCCTCTTCCTGTTGCACCAGGTTCTTCGAA-3'
Protein context (NP_852664.1, residues 73-93): YVEYIGRKKI[Ser83Leu]PPTPKPRPPR

ClinVar aggregate classification (germline): Uncertain significance (1 of 4 stars; one submission).

Conditions:
SHORT syndrome. Also called: LIPODYSTROPHY, PARTIAL, WITH RIEGER ANOMALY AND SHORT STATURE; PIK3R1-Related SHORT Syndrome; SHORT STATURE, HYPEREXTENSIBILITY, HERNIA, OCULAR DEPRESSION, RIEGER ANOMALY, AND TEETHING DELAY. Identifiers: Orphanet 3163, MedGen C0878684, MONDO:0010026, OMIM 269880.
Agammaglobulinemia 7, autosomal recessive (AGM7). Also called: AGAMMAGLOBULINEMIA, AUTOSOMAL RECESSIVE, DUE TO PIK3R1 DEFECT. Identifiers: MedGen C3554689, MONDO:0014083, OMIM 615214.
Immunodeficiency 36 with lymphoproliferation. Also called: Immunodeficiency 36; ACTIVATED PI3K-DELTA SYNDROME 2; Activated PI3K Delta Syndrome Type 2 (APDS2). Identifiers: Orphanet 397596, Orphanet 693681, MedGen C4014934, MONDO:0014453, OMIM 616005.

Allele frequency attached by ClinVar (database versions not stated): ExAC 0.00001; gnomAD 0.00001; gnomAD exomes 0.00001; TOPMed 0.00001.
gnomAD v4.1: 9 of 1,613,998 alleles (0.00056%); highest among the groups gnomAD compares: East Asian, 0.0089%; no homozygotes.

Submission:

Labcorp Genetics (formerly Invitae), Labcorp
Classification: Uncertain significance for SHORT syndrome; Immunodeficiency 36 with lymphoproliferation; Agammaglobulinemia 7, autosomal recessive. Last evaluated: 2023-12-11. Review status: criteria provided, single submitter. Criteria: Invitae Variant Classification Sherloc (09022015). Collection method: clinical testing. Allele origin: germline.
Comment: This sequence change replaces serine, which is neutral and polar, with leucine, which is neutral and non-polar, at codon 83 of the PIK3R1 protein (p.Ser83Leu). This variant is present in population databases (rs747723877, gnomAD 0.006%). This variant has not been reported in the literature in individuals affected with PIK3R1-related conditions. An algorithm developed to predict the effect of missense changes on protein structure and function (PolyPhen-2) suggests that this variant is likely to be disruptive. In summary, the available evidence is currently insufficient to determine the role of this variant in disease. Therefore, it has been classified as a Variant of Uncertain Significance.